The following is an entry in ClinVar:

NM_144997.7(FLCN):c.1301-12G>A

Gene: FLCN (folliculin; minus strand). Cytogenetic location: 17p11.2.
Variant type: single nucleotide variant.
Coding change: c.1301-12G>A on transcript NM_144997.7 (MANE Select); 12 bases into the intron before coding-DNA position 1301, G replaced by A.
Molecular consequence: intron variant.
Genome position (GRCh38, 1-based): chr17:17,215,328, C>T on the plus strand (G>A on the coding strand, the complement: FLCN is on the minus strand). VCF-style: chr17-17215328-C-T. GRCh37 (hg19) VCF-style: chr17-17118642-C-T.
Other names: c.1301-12G>A (NM_001353231.2, NM_001353230.2); c.1355-12G>A (NM_001353229.2).
Identifiers: ClinVar variation 2145163 (VCV002145163.5), dbSNP rs2544149611, ClinGen allele CA2580092713.

ClinVar aggregate classification (germline): Likely benign. Review status: criteria provided, multiple submitters, no conflicts (2 of 4 stars). 2 submissions from 2 submitters: Likely benign (2). Last evaluated 2024-10-24.

Conditions:
Birt-Hogg-Dube syndrome. Also called: Birt Hogg Dubé syndrome. Identifiers: Orphanet 122, MedGen C0346010, MONDO:0800444.
Birt-Hogg-Dube syndrome 1 (BHD1). Also called: FIBROFOLLICULOMAS WITH TRICHODISCOMAS AND ACROCHORDONS. Identifiers: Orphanet 122, MedGen CN375946, MONDO:0800445, OMIM 135150.

Submissions (2):

Myriad Genetics, Inc.
Classification: Likely benign for Birt-Hogg-Dube syndrome 1. Last evaluated: 2024-10-24. Review status: criteria provided, single submitter. Criteria: Myriad Autosomal Dominant, Autosomal Recessive and X-Linked Classification Criteria (2023). Collection method: clinical testing. Allele origin: unknown.
Comment: This variant is considered likely benign. This variant is intronic and is not expected to impact mRNA splicing.

Labcorp Genetics (formerly Invitae), Labcorp
Classification: Likely benign for Birt-Hogg-Dube syndrome. Last evaluated: 2024-05-16. Review status: criteria provided, single submitter. Criteria: Invitae Variant Classification Sherloc (09022015). Collection method: clinical testing. Allele origin: germline.